The following is an entry in ClinVar:

NC_000006.11:g.(?_65016853)_(65016985_?)dup

Gene: EYS (eyes shut homolog; minus strand). Cytogenetic location: 6q12.
Variant type: Duplication.
Identifiers: ClinVar variation 1455353 (VCV001455353.6).

ClinVar aggregate classification (germline): Pathogenic (1 of 4 stars; one submission).

Submission:

Labcorp Genetics (formerly Invitae), Labcorp
Classification: Pathogenic. Last evaluated: 2022-08-08. Review status: criteria provided, single submitter. Criteria: Invitae Variant Classification Sherloc (09022015). Collection method: clinical testing. Allele origin: germline.
Comment: This variant results in a copy number gain of the genomic region encompassing exon(s) 30 of the EYS gene. While the exact position of this variant cannot be determined from the data, sub-genic copy number gains are generally in tandem (PMID: 25640679). This variant is predicted to be out-of-frame, and may result in an absent or disrupted protein product. Loss-of-function variants in EYS are known to be pathogenic (PMID: 18836446, 20333770). A similar copy number variant has been observed in individuals with retinitis pigmentosa (PMID: 29074561, 30718709). For these reasons, this variant has been classified as Pathogenic.

Literature cited by the submitters: PubMed 25640679; PubMed 18836446; PubMed 20333770; PubMed 29074561; PubMed 30718709.